The following is an entry in ClinVar:

NM_001291303.3(FAT4):c.2033G>A (p.Ser678Asn)

Gene: FAT4 (FAT atypical cadherin 4; plus strand). Cytogenetic location: 4q28.1.
Variant type: single nucleotide variant.
Coding change: c.2033G>A on transcript NM_001291303.3 (MANE Select); coding-DNA position 2033, G replaced by A.
Protein change: p.Ser678Asn; replaces serine 678 with asparagine.
Molecular consequence: missense variant.
Genome position (GRCh38, 1-based): chr4:125,318,444, G>A. VCF-style: chr4-125318444-G-A. GRCh37 (hg19) VCF-style: chr4-126239599-G-A.
Other names: c.2033G>A, p.Ser678Asn (NM_001291285.3, NM_024582.6); short protein forms S678N.
Identifiers: ClinVar variation 1918519 (VCV001918519.3), dbSNP rs372437706, ClinGen allele CA3072103.

ClinVar aggregate classification (germline): Uncertain significance (1 of 4 stars; one submission).

Allele frequency attached by ClinVar (database versions not stated): gnomAD exomes below 0.00001; ExAC 0.00002; TOPMed 0.00003; gnomAD 0.00005; ESP Exome Variant Server 0.00016.
gnomAD v4.1: 12 of 1,613,998 alleles (0.00074%); highest among the groups gnomAD compares: African/African-American, 0.016%; no homozygotes.

Submission:

Labcorp Genetics (formerly Invitae), Labcorp
Classification: Uncertain significance. Last evaluated: 2022-04-12. Review status: criteria provided, single submitter. Criteria: Invitae Variant Classification Sherloc (09022015). Collection method: clinical testing. Allele origin: germline.
Comment: This sequence change replaces serine, which is neutral and polar, with asparagine, which is neutral and polar, at codon 678 of the FAT4 protein (p.Ser678Asn). This variant is present in population databases (rs372437706, gnomAD 0.01%). This variant has not been reported in the literature in individuals affected with FAT4-related conditions. Advanced modeling of protein sequence and biophysical properties (such as structural, functional, and spatial information, amino acid conservation, physicochemical variation, residue mobility, and thermodynamic stability) performed at Invitae indicates that this missense variant is not expected to disrupt FAT4 protein function. In summary, the available evidence is currently insufficient to determine the role of this variant in disease. Therefore, it has been classified as a Variant of Uncertain Significance.